The following is an entry in ClinVar:

ClinVar aggregate classification (germline): Uncertain significance (1 of 4 stars; one submission).

Submission:

GeneDx
Classification: Uncertain significance. Last evaluated: 2023-10-17. Review status: criteria provided, single submitter. Criteria: GeneDx Variant Classification Process June 2021. Collection method: clinical testing. Allele origin: germline. Affected: yes.
Comment: Observed as a de novo variant in a fetus with complex cardiac and renal findings, however a de novo KMT2D frameshift variant was also present (Byrne et al., 2023); In silico analysis supports that this missense variant does not alter protein structure/function; Not observed at significant frequency in large population cohorts (gnomAD); This variant is associated with the following publications: (PMID: 36658419)

NM_006939.4(SOS2):c.883A>G (p.Thr295Ala)

Gene: SOS2 (SOS Ras/Rho guanine nucleotide exchange factor 2; minus strand). Cytogenetic location: 14q21.3.
Variant type: single nucleotide variant.
Coding change: c.883A>G on transcript NM_006939.4 (MANE Select); coding-DNA position 883, A replaced by G.
Protein change: p.Thr295Ala; replaces threonine 295 with alanine.
Molecular consequence: missense variant.
Genome position (GRCh38, 1-based): chr14:50,180,658, T>C on the plus strand (A>G on the coding strand, the complement: SOS2 is on the minus strand). VCF-style: chr14-50180658-T-C. GRCh37 (hg19) VCF-style: chr14-50647376-T-C.
Other names: c.883A>G, p.Thr295Ala (NM_001411020.1); short protein forms T295A.
Identifiers: ClinVar variation 3366072 (VCV003366072.1).